The following is an entry in ClinVar:

NM_000487.6(ARSA):c.*635G>A

Gene: ARSA (arylsulfatase A; minus strand). Cytogenetic location: 22q13.33.
Variant type: single nucleotide variant.
Coding change: c.*635G>A on transcript NM_000487.6 (MANE Select); 635 bases downstream of the stop codon, G replaced by A.
Molecular consequence: 3 prime UTR variant.
Genome position (GRCh38, 1-based): chr22:50,624,510, C>T on the plus strand (G>A on the coding strand, the complement: ARSA is on the minus strand). VCF-style: chr22-50624510-C-T. GRCh37 (hg19) VCF-style: chr22-51062938-C-T.
Other names: c.*635G>A (NM_001085425.3, NM_001085426.3, NM_001085427.3 and 2 more transcripts).
Identifiers: ClinVar variation 342223 (VCV000342223.5), dbSNP rs5770953, ClinGen allele CA10645791.

ClinVar aggregate classification (germline): Benign (1 of 4 stars; one submission).

Conditions:
Metachromatic leukodystrophy (MLD). Also called: ARSA DEFICIENCY; CEREBROSIDE SULFATASE DEFICIENCY; METACHROMATIC LEUKOENCEPHALOPATHY; SULFATIDE LIPIDOSIS; Cerebral sclerosis diffuse metachromatic form; Arylsulfatase A Deficiency. Identifiers: Orphanet 512, MedGen C0023522, MONDO:0018868, OMIM 250100.

Allele frequency attached by ClinVar (database versions not stated): gnomAD 0.29302 and 0.29475; TOPMed 0.30901; 1000 Genomes Project 0.35883; 1000 Genomes Project 30x 0.36446.
gnomAD v4.1: 44,641 of 152,008 alleles (29%); highest among the groups gnomAD compares: African/African-American, 41%; 7,163 homozygotes.

Submission:

Illumina Laboratory Services, Illumina
Classification: Benign for Metachromatic leukodystrophy. Last evaluated: 2018-01-12. Review status: criteria provided, single submitter. Criteria: ICSL Variant Classification Criteria 13 December 2019. Collection method: clinical testing. Allele origin: germline.
Comment: This variant was observed in the ICSL laboratory as part of a predisposition screen in an ostensibly healthy population. It had not been previously curated by ICSL or reported in the Human Gene Mutation Database (HGMD: prior to June 1st, 2018), and was therefore a candidate for classification through an automated scoring system. Utilizing variant allele frequency, disease prevalence and penetrance estimates, and inheritance mode, an automated score was calculated to assess if this variant is too frequent to cause the disease. Based on the score and internal cut-off values, a variant classified as benign is not then subjected to further curation. The score for this variant resulted in a classification of benign for this disease.